The following is an entry in ClinVar:

ClinVar aggregate classification (germline): Uncertain significance (1 of 4 stars; one submission).

Conditions:
Familial cold autoinflammatory syndrome 3 (FCAS3). Also called: FAMILIAL ATYPICAL COLD URTICARIA; ANTIBODY DEFICIENCY AND IMMUNE DYSREGULATION, PLCG2-ASSOCIATED. Identifiers: Orphanet 300359, MedGen C3280914, MONDO:0013766, OMIM 614468.

Allele frequency attached by ClinVar (database versions not stated): TOPMed below 0.00001; gnomAD 0.00001.
gnomAD v4.1: 1 of 1,580,232 alleles (0.000063%); highest among the groups gnomAD compares: Non-Finnish European, 0.000087%; no homozygotes.

Submission:

Labcorp Genetics (formerly Invitae), Labcorp
Classification: Uncertain significance for Familial cold autoinflammatory syndrome 3. Last evaluated: 2024-10-16. Review status: criteria provided, single submitter. Criteria: Invitae Variant Classification Sherloc (09022015). Collection method: clinical testing. Allele origin: germline.
Comment: This sequence change replaces glutamic acid, which is acidic and polar, with glutamine, which is neutral and polar, at codon 212 of the PLCG2 protein (p.Glu212Gln). This variant is not present in population databases (gnomAD no frequency). This variant has not been reported in the literature in individuals affected with PLCG2-related conditions. ClinVar contains an entry for this variant (Variation ID: 2134512). An algorithm developed to predict the effect of missense changes on protein structure and function (PolyPhen-2) suggests that this variant is likely to be tolerated. In summary, the available evidence is currently insufficient to determine the role of this variant in disease. Therefore, it has been classified as a Variant of Uncertain Significance.

NM_002661.5(PLCG2):c.634G>C (p.Glu212Gln)

Gene: PLCG2 (phospholipase C gamma 2; plus strand). Cytogenetic location: 16q23.3.
Variant type: single nucleotide variant.
Coding change: c.634G>C on transcript NM_002661.5 (MANE Select); coding-DNA position 634, G replaced by C.
Protein change: p.Glu212Gln; replaces glutamic acid 212 with glutamine.
Molecular consequence: missense variant.
Genome position (GRCh38, 1-based): chr16:81,870,921, G>C. VCF-style: chr16-81870921-G-C. GRCh37 (hg19) VCF-style: chr16-81904526-G-C.
Other names: short protein forms E212Q.
Identifiers: ClinVar variation 2134512 (VCV002134512.4), dbSNP rs1285578963, ClinGen allele CA396903377.